The following is an entry in ClinVar:

NM_013275.6(ANKRD11):c.5974A>T (p.Lys1992Ter)

Gene: ANKRD11 (ankyrin repeat domain 11; minus strand). Cytogenetic location: 16q24.3.
Variant type: single nucleotide variant.
Coding change: c.5974A>T on transcript NM_013275.6 (MANE Select); coding-DNA position 5974, A replaced by T.
Protein change: p.Lys1992Ter; replaces lysine 1992 with a stop codon.
Molecular consequence: nonsense.
Genome position (GRCh38, 1-based): chr16:89,280,568, T>A on the plus strand (A>T on the coding strand, the complement: ANKRD11 is on the minus strand). VCF-style: chr16-89280568-T-A. GRCh37 (hg19) VCF-style: chr16-89346976-T-A.
Other names: c.5974A>T, p.Lys1992Ter (NM_001256182.2, NM_001256183.2); short protein forms K1992*.
Identifiers: ClinVar variation 489013 (VCV000489013.3), dbSNP rs763207005, ClinGen allele CA397152308.

ClinVar aggregate classification (germline): Likely pathogenic. Review status: criteria provided, multiple submitters, no conflicts (2 of 4 stars). 2 submissions from 2 submitters: Likely pathogenic (2). Last evaluated 2025-04-14.

Conditions:
KBG syndrome (KBGS). Also called: ANKRD11-Related KBG Syndrome. Identifiers: Orphanet 2332, MedGen C0220687, MONDO:0007846, OMIM 148050.

gnomAD v4.1: 1 of 1,613,184 alleles (0.000062%); highest among the groups gnomAD compares: Non-Finnish European, 0.000085%; no homozygotes.

Submissions (2):

Genetics Department, Catlab
Classification: Likely pathogenic for KBG syndrome. Last evaluated: 2025-04-14. Review status: criteria provided, single submitter. Criteria: ACMG Guidelines, 2015. Collection method: clinical testing. Allele origin: germline. Affected: yes. Observed: 1 variant allele.
Comment: The c.5974A>T variant in the ANKRD11 gene is a loss of function variant predicted to undergo nonsense mediated decay, and loss of function variants have been described as a causing mechanism for the gene (PVS1). The variant is not present in the gnomAD database (PM2). With all the available evidence, the variant is classified as likely pathogenic.

GeneDx
Classification: Likely pathogenic. Last evaluated: 2017-06-23. Review status: criteria provided, single submitter. Criteria: GeneDx Variant Classification (06012015). Collection method: clinical testing. Allele origin: germline. Affected: yes.
Comment: The K1992X variant in the ANKRD11 gene has not been reported previously as a pathogenic variantnor as a benign variant, to our knowledge. This variant is predicted to cause loss of normal proteinfunction either through protein truncation or nonsense-mediated mRNA decay. The K1992X variantis not observed in large population cohorts (Lek et al., 2016; 1000 Genomes Consortium et al., 2015;Exome Variant Server). We interpret K1992X as a likely pathogenic variant